The following is an entry in ClinVar:

NM_194277.3(FRMD7):c.1759C>T (p.Pro587Ser)

Gene: FRMD7 (FERM domain containing 7; minus strand). Cytogenetic location: Xq26.2.
Variant type: single nucleotide variant.
Coding change: c.1759C>T on transcript NM_194277.3 (MANE Select); coding-DNA position 1759, C replaced by T.
Protein change: p.Pro587Ser; replaces proline 587 with serine.
Molecular consequence: missense variant.
Genome position (GRCh38, 1-based): chrX:132,078,258, G>A on the plus strand (C>T on the coding strand, the complement: FRMD7 is on the minus strand). VCF-style: chrX-132078258-G-A. GRCh37 (hg19) VCF-style: chrX-131212286-G-A.
Other names: c.1714C>T, p.Pro572Ser (NM_001306193.2); short protein forms P587S, P572S.
Identifiers: ClinVar variation 1935039 (VCV001935039.5), dbSNP rs1003052816, ClinGen allele CA335857479.

ClinVar aggregate classification (germline): Uncertain significance (1 of 4 stars; one submission).

Allele frequency attached by ClinVar (database versions not stated): TOPMed 0.00001.
gnomAD v4.1: 2 of 1,211,135 alleles (0.00017%); highest among the groups gnomAD compares: Admixed American, 0.0043%; no homozygotes.

Submission:

Labcorp Genetics (formerly Invitae), Labcorp
Classification: Uncertain significance. Last evaluated: 2024-10-03. Review status: criteria provided, single submitter. Criteria: Invitae Variant Classification Sherloc (09022015). Collection method: clinical testing. Allele origin: germline.
Comment: This sequence change replaces proline, which is neutral and non-polar, with serine, which is neutral and polar, at codon 587 of the FRMD7 protein (p.Pro587Ser). This variant is not present in population databases (gnomAD no frequency). This variant has not been reported in the literature in individuals affected with FRMD7-related conditions. ClinVar contains an entry for this variant (Variation ID: 1935039). An algorithm developed to predict the effect of missense changes on protein structure and function (PolyPhen-2) suggests that this variant is likely to be disruptive. In summary, the available evidence is currently insufficient to determine the role of this variant in disease. Therefore, it has been classified as a Variant of Uncertain Significance.